The following is an entry in ClinVar:

ClinVar aggregate classification (germline): Uncertain significance. Review status: criteria provided, multiple submitters, no conflicts (2 of 4 stars). 2 submissions from 2 submitters: Uncertain significance (2). Last evaluated 2024-06-03.

Allele frequency attached by ClinVar (database versions not stated): gnomAD 0.00001; gnomAD exomes 0.00001.
gnomAD v4.1: 20 of 1,613,238 alleles (0.0012%); highest among the groups gnomAD compares: African/African-American, 0.0013%; no homozygotes.

Submissions (2):

Ambry Genetics
Classification: Uncertain significance. Last evaluated: 2024-06-03. Review status: criteria provided, single submitter. Criteria: Ambry Variant Classification Scheme 2023. Collection method: clinical testing. Allele origin: germline.

CeGaT Center for Human Genetics Tuebingen
Classification: Uncertain significance. Last evaluated: 2024-03-01. Review status: criteria provided, single submitter. Criteria: CeGaT Center For Human Genetics Tuebingen Variant Classification Criteria Version 2. Collection method: clinical testing. Allele origin: germline. Affected: yes. Observed: 1 variant allele.
Comment: PLXNA1: PM2, PM3:Supporting

NM_032242.4(PLXNA1):c.5551G>A (p.Ala1851Thr)

Gene: PLXNA1 (plexin A1; plus strand). Cytogenetic location: 3q21.3.
Variant type: single nucleotide variant.
Coding change: c.5551G>A on transcript NM_032242.4 (MANE Select); coding-DNA position 5551, G replaced by A.
Protein change: p.Ala1851Thr; replaces alanine 1851 with threonine.
Molecular consequence: missense variant.
Genome position (GRCh38, 1-based): chr3:127,032,792, G>A. VCF-style: chr3-127032792-G-A. GRCh37 (hg19) VCF-style: chr3-126751635-G-A.
Other names: c.5551G>A (NM_032242.3); short protein forms A1851T.
Identifiers: ClinVar variation 3067401 (VCV003067401.22), dbSNP rs1308132793, ClinGen allele CA354404743.